The following is an entry in ClinVar:

ClinVar aggregate classification (germline): Uncertain significance. Review status: criteria provided, multiple submitters, no conflicts (2 of 4 stars). 2 submissions from 2 submitters: Uncertain significance (2). Last evaluated 2025-04-14.

Conditions:
Inborn genetic diseases. Identifiers: MedGen C0950123, MeSH D030342.

Allele frequency attached by ClinVar (database versions not stated): gnomAD 0.00006; TOPMed 0.00005; ESP Exome Variant Server 0.00008; gnomAD exomes 0.00001.

Submissions (2):

Ambry Genetics
Classification: Uncertain significance for Inborn genetic diseases. Last evaluated: 2025-04-14. Review status: criteria provided, single submitter. Criteria: Ambry Variant Classification Scheme 2023. Collection method: clinical testing. Allele origin: germline.

Labcorp Genetics (formerly Invitae), Labcorp
Classification: Uncertain significance. Last evaluated: 2022-10-13. Review status: criteria provided, single submitter. Criteria: Invitae Variant Classification Sherloc (09022015). Collection method: clinical testing. Allele origin: germline.
Comment: This sequence change replaces arginine, which is basic and polar, with histidine, which is basic and polar, at codon 664 of the TUBGCP6 protein (p.Arg664His). This variant is present in population databases (rs375024698, gnomAD 0.007%). This variant has not been reported in the literature in individuals affected with TUBGCP6-related conditions. ClinVar contains an entry for this variant (Variation ID: 858979). Algorithms developed to predict the effect of missense changes on protein structure and function are either unavailable or do not agree on the potential impact of this missense change (SIFT: "Tolerated"; PolyPhen-2: "Probably Damaging"; Align-GVGD: "Class C0"). In summary, the available evidence is currently insufficient to determine the role of this variant in disease. Therefore, it has been classified as a Variant of Uncertain Significance.

NM_020461.4(TUBGCP6):c.1991G>A (p.Arg664His)

Gene: TUBGCP6 (tubulin gamma complex component 6; minus strand). Cytogenetic location: 22q13.33.
Variant type: single nucleotide variant.
Coding change: c.1991G>A on transcript NM_020461.4 (MANE Select); coding-DNA position 1991, G replaced by A.
Protein change: p.Arg664His; replaces arginine 664 with histidine.
Molecular consequence: missense variant.
Genome position (GRCh38, 1-based): chr22:50,224,585, C>T on the plus strand (G>A on the coding strand, the complement: TUBGCP6 is on the minus strand). VCF-style: chr22-50224585-C-T. GRCh37 (hg19) VCF-style: chr22-50663014-C-T.
Other names: short protein forms R664H.
Identifiers: ClinVar variation 858979 (VCV000858979.6), dbSNP rs375024698, ClinGen allele CA325464272.